The following is an entry in ClinVar:

NM_016239.4(MYO15A):c.5307T>C (p.Thr1769=)

Gene: MYO15A (myosin XVA; plus strand). Cytogenetic location: 17p11.2.
Variant type: single nucleotide variant.
Coding change: c.5307T>C on transcript NM_016239.4 (MANE Select); coding-DNA position 5307, T replaced by C.
Protein change: p.Thr1769=; no amino-acid change (threonine 1769 retained).
Molecular consequence: synonymous variant.
Genome position (GRCh38, 1-based): chr17:18,140,612, T>C. VCF-style: chr17-18140612-T-C. GRCh37 (hg19) VCF-style: chr17-18043926-T-C.
Identifiers: ClinVar variation 2991412 (VCV002991412.16), dbSNP rs1194822784, ClinGen allele CA498201080.
Genomic context (GRCh38, chr17:18,140,612, plus strand): 5'-GGCTGCCCCTCAGCGCCTGGGCAAGAGCAGCTCCGTCACTCGGCTCTACAAGGCGCACAC[T>C]GTGGCCGCCAAGTTCCAGCAGTCACTCCTGGATCTGGTGGAAAAGATGGAGAGGTGGGGT-3'
Protein context (NP_057323.3, residues 1759-1779): SSVTRLYKAH[Thr1769=]VAAKFQQSLL

ClinVar aggregate classification (germline): Likely benign. Review status: criteria provided, multiple submitters, no conflicts (2 of 4 stars). 2 submissions from 2 submitters: Likely benign (2). Last evaluated 2024-12-01.

Allele frequency attached by ClinVar (database versions not stated): gnomAD exomes below 0.00001.
gnomAD v4.1: 6 of 1,613,780 alleles (0.00037%); highest among the groups gnomAD compares: Non-Finnish European, 0.00042%; no homozygotes.

Submissions (2):

CeGaT Center for Human Genetics Tuebingen
Classification: Likely benign. Last evaluated: 2024-12-01. Review status: criteria provided, single submitter. Criteria: CeGaT Center For Human Genetics Tuebingen Variant Classification Criteria Version 2. Collection method: clinical testing. Allele origin: germline. Affected: yes. Observed: 1 variant allele.
Comment: MYO15A: BP4, BP7

Labcorp Genetics (formerly Invitae), Labcorp
Classification: Likely benign. Last evaluated: 2024-01-30. Review status: criteria provided, single submitter. Criteria: Invitae Variant Classification Sherloc (09022015). Collection method: clinical testing. Allele origin: germline.